The following is an entry in ClinVar:

ClinVar aggregate classification (germline): Uncertain significance (1 of 4 stars; one submission).

Allele frequency attached by ClinVar (database versions not stated): gnomAD 0.00001; gnomAD exomes 0.00001; ExAC 0.00002.
gnomAD v4.1: 20 of 1,613,392 alleles (0.0012%); highest among the groups gnomAD compares: Non-Finnish European, 0.0016%; no homozygotes.

Submission:

Labcorp Genetics (formerly Invitae), Labcorp
Classification: Uncertain significance. Last evaluated: 2023-09-01. Review status: criteria provided, single submitter. Criteria: Invitae Variant Classification Sherloc (09022015). Collection method: clinical testing. Allele origin: germline.
Comment: This sequence change replaces alanine, which is neutral and non-polar, with valine, which is neutral and non-polar, at codon 2794 of the SPEG protein (p.Ala2794Val). This variant is present in population databases (rs755852852, gnomAD 0.002%). This variant has not been reported in the literature in individuals affected with SPEG-related conditions. An algorithm developed to predict the effect of missense changes on protein structure and function (PolyPhen-2) suggests that this variant¬†is likely to be tolerated. Algorithms developed to predict the effect of sequence changes on RNA splicing suggest that this variant may create or strengthen a splice site. In summary, the available evidence is currently insufficient to determine the role of this variant in disease. Therefore, it has been classified as a Variant of Uncertain Significance.

NM_005876.5(SPEG):c.8381C>T (p.Ala2794Val)

Genes: ASIC4-AS1 (ASIC4 antisense RNA 1; minus strand), SPEG (striated muscle enriched protein kinase; plus strand). Cytogenetic location: 2q35.
Variant type: single nucleotide variant.
Coding change: c.8381C>T on transcript NM_005876.5 (MANE Select); coding-DNA position 8381, C replaced by T.
Protein change: p.Ala2794Val; replaces alanine 2794 with valine.
Molecular consequence: missense variant.
Genome position (GRCh38, 1-based): chr2:219,489,399, C>T. VCF-style: chr2-219489399-C-T. GRCh37 (hg19) VCF-style: chr2-220354121-C-T.
Other names: short protein forms A2794V.
Identifiers: ClinVar variation 2986937 (VCV002986937.1), dbSNP rs755852852, ClinGen allele CA2127477.